The following is an entry in ClinVar:

NM_001849.4(COL6A2):c.2044G>C (p.Asp682His)

Gene: COL6A2 (collagen type VI alpha 2 chain; plus strand). Cytogenetic location: 21q22.3.
Variant type: single nucleotide variant.
Coding change: c.2044G>C on transcript NM_001849.4 (MANE Select); coding-DNA position 2044, G replaced by C.
Protein change: p.Asp682His; replaces aspartic acid 682 with histidine.
Molecular consequence: missense variant.
Genome position (GRCh38, 1-based): chr21:46,125,859, G>C. VCF-style: chr21-46125859-G-C. GRCh37 (hg19) VCF-style: chr21-47545773-G-C.
Other names: c.2044G>C, p.Asp682His (NM_058174.3, NM_058175.3); short protein forms D682H.
Identifiers: ClinVar variation 1004360 (VCV001004360.12), dbSNP rs376527297, ClinGen allele CA10072426.

ClinVar aggregate classification (germline): Conflicting classifications of pathogenicity. Review status: criteria provided, conflicting classifications (1 of 4 stars). 3 submissions from 3 submitters: Uncertain significance (2); Benign (1). Last evaluated 2024-09-09.

Conditions:
Bethlem myopathy 1A. Also called: Bethlem Muscular Dystrophy; MYOPATHY, BENIGN CONGENITAL, WITH CONTRACTURES; Bethlem myopathy 1. Identifiers: Orphanet 610, MedGen CN029274, MONDO:0024530, OMIM 158810.

Allele frequency attached by ClinVar (database versions not stated): TOPMed 0.00001; ESP Exome Variant Server 0.00008.
gnomAD v4.1: 2 of 1,612,844 alleles (0.00012%); highest among the groups gnomAD compares: African/African-American, 0.0027%; no homozygotes.

Submissions (3):

GeneDx
Classification: Uncertain significance. Last evaluated: 2024-09-09. Review status: criteria provided, single submitter. Criteria: GeneDx Variant Classification Process June 2021. Collection method: clinical testing. Allele origin: germline. Affected: yes.
Comment: In silico analysis indicates that this missense variant does not alter protein structure/function; Has not been previously published as pathogenic or benign to our knowledge

Revvity Omics, Revvity
Classification: Uncertain significance. Last evaluated: 2023-11-20. Review status: criteria provided, single submitter. Criteria: ACMG Guidelines, 2015. Collection method: clinical testing. Allele origin: germline.

Labcorp Genetics (formerly Invitae), Labcorp
Classification: Benign for Bethlem myopathy 1A. Last evaluated: 2022-07-05. Review status: criteria provided, single submitter. Criteria: Invitae Variant Classification Sherloc (09022015). Collection method: clinical testing. Allele origin: germline.